The following is an entry in ClinVar:

ClinVar aggregate classification (germline): Uncertain significance (1 of 4 stars; one submission).

Conditions:
Hyperkalemic periodic paralysis. Also called: Familial hyperkalemic periodic paralysis; Gamstorp disease. Identifiers: Orphanet 682, MedGen C0238357, MONDO:0008224, OMIM 170500, HP:0007215.

Allele frequency attached by ClinVar (database versions not stated): TOPMed below 0.00001; ExAC 0.00001; gnomAD exomes below 0.00001.
gnomAD v4.1: 4 of 1,612,356 alleles (0.00025%); highest among the groups gnomAD compares: East Asian, 0.0022%; no homozygotes.

Submission:

Labcorp Genetics (formerly Invitae), Labcorp
Classification: Uncertain significance for Hyperkalemic periodic paralysis. Last evaluated: 2022-07-14. Review status: criteria provided, single submitter. Criteria: Invitae Variant Classification Sherloc (09022015). Collection method: clinical testing. Allele origin: germline.
Comment: In summary, the available evidence is currently insufficient to determine the role of this variant in disease. Therefore, it has been classified as a Variant of Uncertain Significance. Algorithms developed to predict the effect of missense changes on protein structure and function (SIFT, PolyPhen-2, Align-GVGD) all suggest that this variant is likely to be disruptive. This variant has not been reported in the literature in individuals affected with SCN4A-related conditions. This variant is present in population databases (rs755586645, gnomAD 0.003%). This sequence change replaces isoleucine, which is neutral and non-polar, with threonine, which is neutral and polar, at codon 1291 of the SCN4A protein (p.Ile1291Thr).

NM_000334.4(SCN4A):c.3872T>C (p.Ile1291Thr)

Genes: GH-LCR (growth hormone locus control region; plus strand), SCN4A (sodium voltage-gated channel alpha subunit 4; minus strand). Cytogenetic location: 17q23.3.
Variant type: single nucleotide variant.
Coding change: c.3872T>C on transcript NM_000334.4 (MANE Select); coding-DNA position 3872, T replaced by C.
Protein change: p.Ile1291Thr; replaces isoleucine 1291 with threonine.
Molecular consequence: missense variant.
Genome position (GRCh38, 1-based): chr17:63,944,713, A>G on the plus strand (T>C on the coding strand, the complement: SCN4A is on the minus strand). VCF-style: chr17-63944713-A-G. GRCh37 (hg19) VCF-style: chr17-62022073-A-G.
Other names: short protein forms I1291T.
Identifiers: ClinVar variation 1962904 (VCV001962904.5), dbSNP rs755586645, ClinGen allele CA8709121.